The following is an entry in ClinVar:

ClinVar aggregate classification (germline): Uncertain significance (1 of 4 stars; one submission).

Allele frequency attached by ClinVar (database versions not stated): gnomAD 0.00001; gnomAD exomes 0.00001; TOPMed 0.00001.
gnomAD v4.1: 5 of 1,614,056 alleles (0.00031%); highest among the groups gnomAD compares: Admixed American, 0.0083%; no homozygotes.

Submission:

Labcorp Genetics (formerly Invitae), Labcorp
Classification: Uncertain significance. Last evaluated: 2022-08-10. Review status: criteria provided, single submitter. Criteria: Invitae Variant Classification Sherloc (09022015). Collection method: clinical testing. Allele origin: germline.
Comment: This sequence change replaces histidine, which is basic and polar, with tyrosine, which is neutral and polar, at codon 245 of the TWNK protein (p.His245Tyr). In summary, the available evidence is currently insufficient to determine the role of this variant in disease. Therefore, it has been classified as a Variant of Uncertain Significance. Advanced modeling of protein sequence and biophysical properties (such as structural, functional, and spatial information, amino acid conservation, physicochemical variation, residue mobility, and thermodynamic stability) performed at Invitae indicates that this missense variant is not expected to disrupt TWNK protein function. This variant has not been reported in the literature in individuals affected with TWNK-related conditions. This variant is present in population databases (no rsID available, gnomAD 0.009%).

NM_021830.5(TWNK):c.733C>T (p.His245Tyr)

Gene: TWNK (twinkle mtDNA helicase; plus strand). Cytogenetic location: 10q24.31.
Variant type: single nucleotide variant.
Coding change: c.733C>T on transcript NM_021830.5 (MANE Select); coding-DNA position 733, C replaced by T.
Protein change: p.His245Tyr; replaces histidine 245 with tyrosine.
Molecular consequence: missense variant. On other transcripts: non-coding transcript variant (4), intron variant (3).
Genome position (GRCh38, 1-based): chr10:100,988,943, C>T. VCF-style: chr10-100988943-C-T. GRCh37 (hg19) VCF-style: chr10-102748700-C-T.
Other names: c.733C>T, p.His245Tyr (NM_001163812.2); c.-119-701C>T (NM_001163814.2, NM_001163813.2); c.-57-763C>T (NM_001368275.1); short protein forms H245Y.
Identifiers: ClinVar variation 1940022 (VCV001940022.5), dbSNP rs1296965467, ClinGen allele CA378208285.